The following is an entry in ClinVar:

NM_001164277.2(SLC37A4):c.421del (p.Leu141fs)

Gene: SLC37A4 (solute carrier family 37 member 4; minus strand). Cytogenetic location: 11q23.3.
Variant type: Deletion.
Coding change: c.421del on transcript NM_001164277.2 (MANE Select); coding-DNA position 421, one base deleted (C; older notation c.421delC).
Protein change: p.Leu141fs; shifts the reading frame from leucine 141.
Molecular consequence: frameshift variant.
Genome position (GRCh38, 1-based): chr11:119,027,833, G deleted on the plus strand (C on the coding strand, the reverse complement: SLC37A4 is on the minus strand); the first of 2 consecutive G bases (chr11:119,027,833-119,027,834); deleting either gives the same sequence. VCF-style (leftmost placement, unchanged base first): chr11-119027832-AG-A. GRCh37 (hg19) VCF-style: chr11-118898542-AG-A.
Other names: c.421del, p.Leu141fs (NM_001164278.2, NM_001164280.2, NM_001467.6); c.202del, p.Leu68fs (NM_001164279.2); short protein forms L141fs, L68fs.
Identifiers: ClinVar variation 2818473 (VCV002818473.3), dbSNP rs2497029498, ClinGen allele CA2739271747.

ClinVar aggregate classification (germline): Pathogenic (1 of 4 stars; one submission).

Conditions:
Glucose-6-phosphate transport defect (GSD1B). Also called: GSD Ib; Glycogen Storage Disease Type Ib. Identifiers: Orphanet 364, Orphanet 79259, MedGen C0268146, MONDO:0009288, OMIM 232220.

Submission:

Labcorp Genetics (formerly Invitae), Labcorp
Classification: Pathogenic for Glucose-6-phosphate transport defect. Last evaluated: 2022-12-04. Review status: criteria provided, single submitter. Criteria: Invitae Variant Classification Sherloc (09022015). Collection method: clinical testing. Allele origin: germline.
Comment: This variant has not been reported in the literature in individuals affected with SLC37A4-related conditions. For these reasons, this variant has been classified as Pathogenic. This sequence change creates a premature translational stop signal (p.Leu141Cysfs*5) in the SLC37A4 gene. It is expected to result in an absent or disrupted protein product. Loss-of-function variants in SLC37A4 are known to be pathogenic (PMID: 9758626, 10940311). This variant is not present in population databases (gnomAD no frequency).

Literature cited by the submitters: PubMed 9758626; PubMed 10940311.